The following is an entry in ClinVar:

ClinVar aggregate classification (germline): Conflicting classifications of pathogenicity. Review status: criteria provided, conflicting classifications (1 of 4 stars). 7 submissions from 7 submitters: Uncertain significance (2); Benign (2); Likely benign (2). 1 of the submissions does not count toward it. Last evaluated 2026-05-01.

Conditions:
ODAD2-related disorder. Also called: ODAD2-related condition.
Primary ciliary dyskinesia 23 (CILD23). Also called: CILIARY DYSKINESIA, PRIMARY, 23, WITH OR WITHOUT SITUS INVERSUS. Identifiers: Orphanet 244, MedGen C3809548, MONDO:0014193, OMIM 615451.
Primary ciliary dyskinesia. Also called: Ciliary dyskinesia. Identifiers: Orphanet 244, MedGen C0008780, MONDO:0016575, HP:0012265.

Allele frequency attached by ClinVar (database versions not stated): 1000 Genomes Project 30x 0.00031; 1000 Genomes Project 0.00040; gnomAD 0.00128; TOPMed 0.00132; gnomAD exomes 0.00154; ExAC 0.00162; ESP Exome Variant Server 0.00192.
gnomAD v4.1: 2,586 of 1,534,874 alleles (0.17%); highest among the groups gnomAD compares: Middle Eastern, 0.34%; 5 homozygotes.

Submissions (7):

CeGaT Center for Human Genetics Tuebingen
Classification: Likely benign. Last evaluated: 2026-05-01. Review status: criteria provided, single submitter. Criteria: CeGaT Center For Human Genetics Tuebingen Variant Classification Criteria Version 2. Collection method: clinical testing. Allele origin: germline. Affected: yes. Observed: 2 variant alleles.
Comment: ODAD2: PP2, BP4, BS2

Labcorp Genetics (formerly Invitae), Labcorp
Classification: Benign for Primary ciliary dyskinesia 23. Last evaluated: 2026-01-27. Review status: criteria provided, single submitter. Criteria: Invitae Variant Classification Sherloc (09022015). Collection method: clinical testing. Allele origin: germline.

GeneDx
Classification: Uncertain significance. Last evaluated: 2025-04-14. Review status: criteria provided, single submitter. Criteria: GeneDx Variant Classification Process June 2021. Collection method: clinical testing. Allele origin: germline. Affected: yes.
Comment: In silico analysis indicates that this missense variant does not alter protein structure/function; Has not been previously published as pathogenic or benign in association with an ODAD2-related disorder to our knowledge; This variant is associated with the following publications: (PMID: 31108397)

Blueprint Genetics
Classification: Likely benign. Last evaluated: 2024-11-25. Review status: criteria provided, single submitter. Criteria: ACMG Guidelines, 2015. Collection method: clinical testing. Allele origin: germline.

Genetics and Molecular Pathology, SA Pathology
Classification: Uncertain significance for Primary ciliary dyskinesia 23. Last evaluated: 2019-10-03. Review status: criteria provided, single submitter. Criteria: ACMG Guidelines, 2015. Collection method: clinical testing. Allele origin: germline. Inheritance: Autosomal recessive inheritance. Affected: yes.

Ambry Genetics
Classification: Benign for Primary ciliary dyskinesia. Last evaluated: 2017-05-16. Review status: criteria provided, single submitter. Criteria: Ambry Variant Classification Scheme 2023. Collection method: clinical testing. Allele origin: germline.

PreventionGenetics, part of Exact Sciences
Classification: Likely benign for ODAD2-related condition. Last evaluated: 2022-11-04. Review status: no assertion criteria provided. Collection method: clinical testing. Allele origin: germline. Not counted in ClinVar's aggregate classification.
Comment: This variant is classified as likely benign based on ACMG/AMP sequence variant interpretation guidelines (Richards et al. 2015 PMID: 25741868, with internal and published modifications).

NM_018076.5(ODAD2):c.883G>C (p.Val295Leu)

Gene: ODAD2 (outer dynein arm docking complex subunit 2; minus strand). Cytogenetic location: 10p12.1.
Variant type: single nucleotide variant.
Coding change: c.883G>C on transcript NM_018076.5 (MANE Select); coding-DNA position 883, G replaced by C.
Protein change: p.Val295Leu; replaces valine 295 with leucine.
Molecular consequence: missense variant. On other transcripts: 5 prime UTR variant (2).
Genome position (GRCh38, 1-based): chr10:27,981,519, C>G on the plus strand (G>C on the coding strand, the complement: ODAD2 is on the minus strand). VCF-style: chr10-27981519-C-G. GRCh37 (hg19) VCF-style: chr10-28270448-C-G.
Other names: c.883G>C, p.Val295Leu (NM_001290020.2); c.-241G>C (NM_001290021.2); c.-42G>C (NM_001312689.2); c.883G>C (NM_018076.3); short protein forms V295L.
Identifiers: ClinVar variation 241266 (VCV000241266.58), dbSNP rs143215183, ClinGen allele CA5453690.